The following is an entry in ClinVar:

ClinVar aggregate classification (germline): Pathogenic/Likely pathogenic. Review status: criteria provided, multiple submitters, no conflicts (2 of 4 stars). 24 submissions from 20 submitters: Pathogenic (16); Likely pathogenic (2). 6 of the submissions do not count toward it. Last evaluated 2026-04-27.

Conditions:
PRPH2-related disorder. Also called: PRPH2-related condition; PRPH2-related disorders. Identifiers: MedGen CN239395.
Patterned dystrophy of the retinal pigment epithelium (MDPT1). Identifiers: Orphanet 63454, MedGen C1868569, MONDO:0018973.
Retinal dystrophy. Also called: Inherited retinal dystrophy. Identifiers: Orphanet 71862, MedGen C0854723, MeSH D058499, MONDO:0019118, HP:0000556.
Retinitis pigmentosa (RP). Identifiers: Orphanet 791, MedGen C0035334, MeSH D012174, MONDO:0019200, OMIM 268000. Inheritance: Autosomal dominant, autosomal recessive and X linked inheritance.
Choroidal dystrophy, central areolar 2 (CACD2). Also called: MACULAR DYSTROPHY, PROGRESSIVE; Choriodal Dystrophy, Central Areolar 2. Identifiers: Orphanet 75377, MedGen C2751290, MONDO:0013137, OMIM 613105.
Retinitis pigmentosa 7 (RP7). Identifiers: Orphanet 791, MedGen C1842475, MONDO:0011974, OMIM 608133.
Patterned macular dystrophy 1. Also called: MACULAR DYSTROPHY, BUTTERFLY-SHAPED PIGMENTARY; BUTTERFLY DYSTROPHY OF RETINAL PIGMENT EPITHELIUM. Identifiers: Orphanet 99001, MedGen C4551999, MONDO:0008210, OMIM 169150.
Stargardt disease (FFM). Also called: Stargardt's disease; Fundus flavimaculatus. Identifiers: Orphanet 827, MedGen C0271093, MONDO:0019353.
Cone-rod dystrophy. Also called: Cone/cone-rod dystrophy; Cone-rod degeneration. Identifiers: Orphanet 1872, MedGen C4085590, MONDO:0015993, HP:0000548.
Vitelliform macular dystrophy 2. Also called: Best vitelliform macular dystrophy, multifocal; MACULAR DEGENERATION, POLYMORPHIC VITELLINE; Best Macular Dystrophy; VITELLIFORM MACULAR DYSTROPHY, EARLY-ONSET; VITELLIFORM MACULAR DYSTROPHY, JUVENILE-ONSET; Best Vitelliform Macular Dystrophy (BVMD). Identifiers: Orphanet 1243, MedGen C2745945, MONDO:0007931, OMIM 153700.
Retinal disorder. Also called: Retinopathies; Retinal Diseases; Retinal disorders; Retinopathy. Identifiers: MedGen C0035309, MONDO:0005283, HP:0000488.
maculopathy.

Allele frequency attached by ClinVar (database versions not stated): gnomAD exomes below 0.00001.
gnomAD v4.1: 3 of 1,614,160 alleles (0.00019%); highest among the groups gnomAD compares: Non-Finnish European, 0.00025%; no homozygotes.

Submissions 1 to 12 of 24:

Genetics Laboratory, Great Ormond Street Hospital NHS Foundation Trust, North Thames Genomic Laboratory Hub
Classification: Pathogenic for Retinal disorders. Last evaluated: 2026-04-27. Review status: criteria provided, single submitter. Criteria: ACGS Best Practice Guidelines for Variant Classification in Rare Disease 2024 v1.2. Collection method: clinical testing. Allele origin: germline. Affected: yes.
Comment: PS4_moderate, PM2_moderate, PM5_moderate, PS3_supporting, PP1_strong

PreventionGenetics, part of Exact Sciences
Classification: Pathogenic for PRPH2-related condition. Last evaluated: 2026-03-17. Review status: criteria provided, single submitter. Criteria: ACMG Guidelines, 2015. Collection method: clinical testing. Allele origin: germline.
Comment: The PRPH2 c.514C>T variant is predicted to result in the amino acid substitution p.Arg172Trp. This variant has been reported in individuals with autosomal dominant PRPH2-related retinal disease and has been shown to segregate with disease in kindreds (see for examples: Wells et al. 1993. PubMed ID: 8485576; Kohl et al. 1997. PubMed ID: 9279751; Table S1, Lin et al. 2024. PubMed ID: 38219857). A cohort study of individuals with the p.Arg172Trp variant found that the average age of onset of macular dystrophy was 27.7 years old (Reeves et al. 2020. PubMed ID: 32531846). Functional studies revealed that this variant affects PRPH2 function (Ding et al. 2004. PubMed ID: 15254014; Conley et al. 2014. PubMed ID: 24463884). This variant is absent in a large population database, indicating this variant is rare. Given all the evidence, we interpret this variant as pathogenic.

Labcorp Genetics (formerly Invitae), Labcorp
Classification: Pathogenic for PRPH2-related disorder. Last evaluated: 2025-10-20. Review status: criteria provided, single submitter. Criteria: Invitae Variant Classification Sherloc (09022015). Collection method: clinical testing. Allele origin: germline.
Comment: This sequence change replaces arginine, which is basic and polar, with tryptophan, which is neutral and slightly polar, at codon 172 of the PRPH2 protein (p.Arg172Trp). This variant is not present in population databases (gnomAD no frequency). This missense change has been observed in individual(s) with autosomal dominant macular dystrophy (PMID: 8485576, 8747448). It has also been observed to segregate with disease in related individuals. This variant is also known as RDS p.Arg172Trp. ClinVar contains an entry for this variant (Variation ID: 13170). Invitae Evidence Modeling of protein sequence and biophysical properties (such as structural, functional, and spatial information, amino acid conservation, physicochemical variation, residue mobility, and thermodynamic stability) indicates that this missense variant is expected to disrupt PRPH2 protein function with a positive predictive value of 95%. Experimental studies have shown that this missense change affects PRPH2 function (PMID: 24463884). For these reasons, this variant has been classified as Pathogenic.

3billion
Classification: Pathogenic for Choroidal dystrophy, central areolar 2. Last evaluated: 2025-02-11. Review status: criteria provided, single submitter. Criteria: ACMG Guidelines, 2015. Collection method: clinical testing. Allele origin: germline. Affected: yes.
Comment: The variant is observed at an extremely low frequency in the gnomAD v4.1.0 dataset (total allele frequency: <0.001%). Predicted Consequence/Location: The variant is located in a mutational hot spot and/or well-established functional domain in which established pathogenic variants have been reported (PMID: 38474159). Functional studies provide strong evidence of the variant having a damaging effect on the gene or gene product (PMID: 24463884). In silico tool predictions suggest damaging effect of the variant on gene or gene product [REVEL: 0.67 (>=0.6, sensitivity 0.68 and specificity 0.92)]. The same nucleotide change resulting in the same amino acid change has been previously reported as pathogenic/likely pathogenic with strong evidence (ClinVar ID: VCV000013170 /PMID: 8485576, 8747448 /3billion dataset). Different missense changes at the same codon (p.Arg172Gln, p.Arg172Gly, p.Arg172Pro) have been reported as pathogenic/likely pathogenic with strong evidence (ClinVar ID: VCV000013167, VCV000098675, VCV000987409 /PMID: 8485576). Therefore, this variant is classified as Pathogenic according to the recommendation of ACMG/AMP guideline.

SingHealth Duke-NUS Institute of Precision Medicine
Classification: Likely pathogenic for Patterned macular dystrophy 1. Last evaluated: 2025-02-05. Review status: criteria provided, single submitter. Criteria: PRISM ACMG Classification Criteria. Collection method: clinical testing. Allele origin: germline. Affected: yes.
Comment: Variant is located in a mutational hotspot where >50% of variants are pathogenic (PM1). Experimental studies have shown that this missense change affects PRPH2 function (PMID:24463884;15254014). Cosegregation with disease has been found in multiple families in multiple studies (PMID:8747448;20335603;9443872)

Blueprint Genetics
Classification: Pathogenic for PRPH2-related disorders. Last evaluated: 2024-06-11. Review status: criteria provided, single submitter. Criteria: ACMG Guidelines, 2015. Collection method: clinical testing. Allele origin: germline. Affected: yes. Observed: 5 variant alleles.

Dept Of Ophthalmology, Nagoya University
Classification: Pathogenic for Retinal dystrophy. Last evaluated: 2023-10-01. Review status: criteria provided, single submitter. Criteria: Submitter's publication. Collection method: research. Allele origin: germline. Affected: yes.

GeneDx
Classification: Pathogenic. Last evaluated: 2023-05-30. Review status: criteria provided, single submitter. Criteria: GeneDx Variant Classification Process June 2021. Collection method: clinical testing. Allele origin: germline. Affected: yes.
Comment: Reported as a common pathogenic variant among individuals of British background (Payne et al., 1998); Published functional studies in mice demonstrate a damaging effect with defective cone photoreceptors and abnormal PRPH2(RDS)/ROM-1 complex formation (Ding et al., 2004; Conley et al., 2014); In silico analysis supports that this missense variant has a deleterious effect on protein structure/function; Not observed at significant frequency in large population cohorts (gnomAD); This variant is associated with the following publications: (PMID: 21405999, 8747448, 20335603, 32531858, 18055786, 34828423, 10800708, 24463884, 9010868, 8943002, 24608669, 8302543, 8015786, 29343940, 8485576, 7493155, 22183351, 29555955, 19279306, 28838317, 31456290, 32531846, 32036094, 9810570, 33691693, 26667666, 15254014, 9443872, 34411390, 10532447)

Genetics and Molecular Pathology, SA Pathology
Classification: Pathogenic for Retinitis pigmentosa 7. Last evaluated: 2021-10-08. Review status: criteria provided, single submitter. Criteria: ACMG Guidelines, 2015. Collection method: clinical testing. Allele origin: germline. Affected: yes.

Institute of Medical Molecular Genetics, University of Zurich
Classification: Likely pathogenic for Patterned macular dystrophy 1. Last evaluated: 2021-01-30. Review status: criteria provided, single submitter. Criteria: ACMG Guidelines, 2015. Collection method: clinical testing. Allele origin: germline. Affected: yes.

Institute of Medical Genetics and Applied Genomics, University Hospital Tübingen
Classification: Pathogenic. Last evaluated: 2020-10-23. Review status: criteria provided, single submitter. Criteria: ACMG Guidelines, 2015. Collection method: clinical testing. Allele origin: germline. Inheritance: Autosomal unknown. Affected: yes.

NEI Ophthalmic Genomics Laboratory, National Institutes of Health
Classification: Pathogenic for Retinitis pigmentosa. Last evaluated: 2020-01-07. Review status: criteria provided, single submitter. Criteria: ACMG Guidelines, 2015. Collection method: clinical testing. Allele origin: germline. Affected: yes.
Comment: The variant NM_000322.4:c.514C>T in the PRPH2 gene has been previously studied(Nichols (1993) Invest Ophthalmol Vis Sci 34 1149). We found this variant in 13 patient(s) in a PRPH2 cohort study (Reeves et al. 2020). This variant is listed in dbSNP and/or HGMD (rs61755792,CM930639). It is absent in gnomAD browser. It is enriched in the PRPH2 disease cohort. We invoked ACMG criteria [PS4, PP1-S, PM1, PM2, PP3, PP5] and classified NM_000322.4:c.514C>T in the PRPH2 gene as a Pathogenic mutation.

NM_000322.5(PRPH2):c.514C>T (p.Arg172Trp)

Gene: PRPH2 (peripherin 2; minus strand). Cytogenetic location: 6p21.1.
Variant type: single nucleotide variant.
Coding change: c.514C>T on transcript NM_000322.5 (MANE Select); coding-DNA position 514, C replaced by T.
Protein change: p.Arg172Trp; replaces arginine 172 with tryptophan.
Molecular consequence: missense variant.
Genome position (GRCh38, 1-based): chr6:42,721,821, G>A on the plus strand (C>T on the coding strand, the complement: PRPH2 is on the minus strand). VCF-style: chr6-42721821-G-A. GRCh37 (hg19) VCF-style: chr6-42689559-G-A.
Other names: short protein forms R172W.
Identifiers: ClinVar variation 13170 (VCV000013170.67), dbSNP rs61755792, ClinGen allele CA122936.